The following is an entry in ClinVar:

ClinVar aggregate classification (germline): Likely benign. Review status: criteria provided, multiple submitters, no conflicts (2 of 4 stars). 2 submissions from 2 submitters: Likely benign (2). Last evaluated 2021-09-16.

Conditions:
ANO5-Related Muscle Diseases. Identifiers: MedGen CN180644.

Allele frequency attached by ClinVar (database versions not stated): 1000 Genomes Project 0.00619; gnomAD 0.00715 and 0.00659; 1000 Genomes Project 30x 0.00562; TOPMed 0.00795.

Submissions (2):

GeneDx
Classification: Likely benign. Last evaluated: 2021-09-16. Review status: criteria provided, single submitter. Criteria: GeneDx Variant Classification Process June 2021. Collection method: clinical testing. Allele origin: germline. Affected: yes.

Illumina Laboratory Services, Illumina
Classification: Likely benign for ANO5-Related Muscle Diseases. Last evaluated: 2018-01-12. Review status: criteria provided, single submitter. Criteria: ICSL Variant Classification Criteria 13 December 2019. Collection method: clinical testing. Allele origin: germline.
Comment: This variant was observed in the ICSL laboratory as part of a predisposition screen in an ostensibly healthy population. It had not been previously curated by ICSL or reported in the Human Gene Mutation Database (HGMD: prior to June 1st, 2018), and was therefore a candidate for classification through an automated scoring system. Utilizing variant allele frequency, disease prevalence and penetrance estimates, and inheritance mode, an automated score was calculated to assess if this variant is too frequent to cause the disease. Based on the score and internal cut-off values, a variant classified as likely benign is not then subjected to further curation. The score for this variant resulted in a classification of likely benign for this disease.

NM_213599.3(ANO5):c.*2357A>T

Gene: ANO5 (anoctamin 5; plus strand). Cytogenetic location: 11p14.3.
Variant type: single nucleotide variant.
Coding change: c.*2357A>T on transcript NM_213599.3 (MANE Select); 2357 bases downstream of the stop codon, A replaced by T.
Molecular consequence: 3 prime UTR variant.
Genome position (GRCh38, 1-based): chr11:22,282,122, A>T. VCF-style: chr11-22282122-A-T. GRCh37 (hg19) VCF-style: chr11-22303668-A-T.
Other names: c.*2357A>T (NM_001142649.2).
Identifiers: ClinVar variation 304151 (VCV000304151.7), dbSNP rs151218419, ClinGen allele CA10638207.
Genomic context (GRCh38, chr11:22,282,122, plus strand): 5'-CATCTAATTAAACCCATTGGTTTTTATGGGAGGGCTGCATTAAGAGCACCCAACCACCAC[A>T]TGTAAGTTGATAATTACCAGCATGGCAGGTGATTTTATCTGCTGACCAAGCGCATAGTTT-3'